The following is an entry in ClinVar:

ClinVar aggregate classification (germline): Uncertain significance. Review status: criteria provided, multiple submitters, no conflicts (2 of 4 stars). 2 submissions from 2 submitters: Uncertain significance (2). Last evaluated 2025-08-24.

Conditions:
Brachyolmia-amelogenesis imperfecta syndrome. Also called: Tooth agenesis, selective, 6; Dental anomalies and short stature; PLATYSPONDYLY WITH AMELOGENESIS IMPERFECTA. Identifiers: Orphanet 2899, MedGen C1832594, MONDO:0011018, OMIM 601216. Disease mechanism: loss of function.
Inborn genetic diseases. Identifiers: MedGen C0950123, MeSH D030342.

Allele frequency attached by ClinVar (database versions not stated): gnomAD exomes 0.00001; ExAC 0.00007.

Submissions (2):

Ambry Genetics
Classification: Uncertain significance for Inborn genetic diseases. Last evaluated: 2025-08-24. Review status: criteria provided, single submitter. Criteria: Ambry Variant Classification Scheme 2023. Collection method: clinical testing. Allele origin: germline.
Comment: The p.D779N variant (also known as c.2335G>A), located in coding exon 16 of the LTBP3 gene, results from a G to A substitution at nucleotide position 2335. The aspartic acid at codon 779 is replaced by asparagine, an amino acid with highly similar properties. This amino acid position is conserved. In addition, the in silico prediction for this alteration is inconclusive. Since supporting evidence is limited at this time, the clinical significance of this alteration remains unclear.

Labcorp Genetics (formerly Invitae), Labcorp
Classification: Uncertain significance for Brachyolmia-amelogenesis imperfecta syndrome. Last evaluated: 2023-07-29. Review status: criteria provided, single submitter. Criteria: Invitae Variant Classification Sherloc (09022015). Collection method: clinical testing. Allele origin: germline.
Comment: This sequence change replaces aspartic acid, which is acidic and polar, with asparagine, which is neutral and polar, at codon 779 of the LTBP3 protein (p.Asp779Asn). The frequency data for this variant in the population databases is considered unreliable, as metrics indicate poor data quality at this position in the gnomAD database. This variant has not been reported in the literature in individuals affected with LTBP3-related conditions. ClinVar contains an entry for this variant (Variation ID: 1789769). An algorithm developed to predict the effect of missense changes on protein structure and function (PolyPhen-2) suggests that this variant is likely to be tolerated. In summary, the available evidence is currently insufficient to determine the role of this variant in disease. Therefore, it has been classified as a Variant of Uncertain Significance.

NM_001130144.3(LTBP3):c.2335G>A (p.Asp779Asn)

Genes: LTBP3 (latent transforming growth factor beta binding protein 3; minus strand), LOC130006029 (ATAC-STARR-seq lymphoblastoid silent region 3532; plus strand). Cytogenetic location: 11q13.1.
Variant type: single nucleotide variant.
Coding change: c.2335G>A on transcript NM_001130144.3 (MANE Select); coding-DNA position 2335, G replaced by A.
Protein change: p.Asp779Asn; replaces aspartic acid 779 with asparagine.
Molecular consequence: missense variant.
Genome position (GRCh38, 1-based): chr11:65,546,460, C>T on the plus strand (G>A on the coding strand, the complement: LTBP3 is on the minus strand). VCF-style: chr11-65546460-C-T. GRCh37 (hg19) VCF-style: chr11-65313931-C-T.
Other names: c.1984G>A, p.Asp662Asn (NM_001164266.1); c.2335G>A, p.Asp779Asn (NM_021070.4); short protein forms D662N, D779N.
Identifiers: ClinVar variation 1789769 (VCV001789769.6), dbSNP rs750909757, ClinGen allele CA6100652.